The following is an entry in ClinVar:

NM_001113378.2(FANCI):c.326C>G (p.Ala109Gly)

Gene: FANCI (FA complementation group I; plus strand). Cytogenetic location: 15q26.1.
Variant type: single nucleotide variant.
Coding change: c.326C>G on transcript NM_001113378.2 (MANE Select); coding-DNA position 326, C replaced by G.
Protein change: p.Ala109Gly; replaces alanine 109 with glycine.
Molecular consequence: missense variant.
Genome position (GRCh38, 1-based): chr15:89,261,622, C>G. VCF-style: chr15-89261622-C-G. GRCh37 (hg19) VCF-style: chr15-89804853-C-G.
Other names: c.47C>G, p.Ala16Gly (NM_001376910.1); c.326C>G, p.Ala109Gly (NM_001376911.1, NM_018193.3); short protein forms A109G, A16G.
Identifiers: ClinVar variation 408237 (VCV000408237.13), dbSNP rs772968604, ClinGen allele CA7722585.

ClinVar aggregate classification (germline): Uncertain significance. Review status: criteria provided, multiple submitters, no conflicts (2 of 4 stars). 3 submissions from 3 submitters: Uncertain significance (2). 1 of the submissions does not count toward it. Last evaluated 2026-01-21.

Conditions:
Fanconi anemia (FA). Also called: Fanconi's anemia. Identifiers: Orphanet 84, MedGen C0015625, MeSH D005199, MONDO:0019391.
Microcephaly. Also called: Microcephaly (disease). Identifiers: MedGen C4551563, MONDO:0001149, HP:0000252.

Allele frequency attached by ClinVar (database versions not stated): ExAC 0.00003; gnomAD exomes 0.00003.
gnomAD v4.1: 48 of 1,614,088 alleles (0.003%); highest among the groups gnomAD compares: East Asian, 0.11%; 1 homozygote.

Submissions (3):

Labcorp Genetics (formerly Invitae), Labcorp
Classification: Uncertain significance for Fanconi anemia. Last evaluated: 2026-01-21. Review status: criteria provided, single submitter. Criteria: Invitae Variant Classification Sherloc (09022015). Collection method: clinical testing. Allele origin: germline.
Comment: This sequence change replaces alanine, which is neutral and non-polar, with glycine, which is neutral and non-polar, at codon 109 of the FANCI protein (p.Ala109Gly). This variant is present in population databases (rs772968604, gnomAD 0.03%). This variant has not been reported in the literature in individuals affected with FANCI-related conditions. ClinVar contains an entry for this variant (Variation ID: 408237). Invitae Evidence Modeling of protein sequence and biophysical properties (such as structural, functional, and spatial information, amino acid conservation, physicochemical variation, residue mobility, and thermodynamic stability) indicates that this missense variant is expected to disrupt FANCI protein function with a positive predictive value of 80%. In summary, the available evidence is currently insufficient to determine the role of this variant in disease. Therefore, it has been classified as a Variant of Uncertain Significance.

Genetic Services Laboratory, University of Chicago
Classification: Uncertain significance. Last evaluated: 2018-05-01. Review status: criteria provided, single submitter. Criteria: ACMG Guidelines, 2015. Collection method: clinical testing. Allele origin: germline. Affected: no.

Department of Pediatrics, Samsung Medical Center, Samsung Medical Center
Classification: Uncertain significance for Microcephaly. Review status: no assertion criteria provided. Criteria: ACMG Guidelines, 2015. Collection method: research. Allele origin: germline. Affected: yes. Not counted in ClinVar's aggregate classification.